The following is an entry in ClinVar:

NM_003737.4(DCHS1):c.3763A>G (p.Thr1255Ala)

Gene: DCHS1 (dachsous cadherin-related 1; minus strand). Cytogenetic location: 11p15.4.
Variant type: single nucleotide variant.
Coding change: c.3763A>G on transcript NM_003737.4 (MANE Select); coding-DNA position 3763, A replaced by G.
Protein change: p.Thr1255Ala; replaces threonine 1255 with alanine.
Molecular consequence: missense variant.
Genome position (GRCh38, 1-based): chr11:6,631,320, T>C on the plus strand (A>G on the coding strand, the complement: DCHS1 is on the minus strand). VCF-style: chr11-6631320-T-C. GRCh37 (hg19) VCF-style: chr11-6652551-T-C.
Other names: short protein forms T1255A.
Identifiers: ClinVar variation 3630249 (VCV003630249.2).
Genomic context (GRCh38, chr11:6,631,320, plus strand): 5'-GCCATGAGGGCATGCCATCACCCACCAATTCTCCTCTCTCCACTCCCATACCAGTTAGCG[T>C]GTACAAGATGGTCCCATTCTCCCCCTCATCTGGATCCTTCGCCTGCAGAGTCGTCACCAG-3'
Protein context (NP_003728.1, residues 1245-1265): DEGENGTILY[Thr1255Ala]LTGPGSELFS

ClinVar aggregate classification (germline): Uncertain significance (1 of 4 stars; one submission).

gnomAD v4.1: 3 of 1,613,958 alleles (0.00019%); highest among the groups gnomAD compares: Non-Finnish European, 0.00025%; no homozygotes.

Submission:

Labcorp Genetics (formerly Invitae), Labcorp
Classification: Uncertain significance. Last evaluated: 2024-06-27. Review status: criteria provided, single submitter. Criteria: Invitae Variant Classification Sherloc (09022015). Collection method: clinical testing. Allele origin: germline.
Comment: This sequence change replaces threonine, which is neutral and polar, with alanine, which is neutral and non-polar, at codon 1255 of the DCHS1 protein (p.Thr1255Ala). This variant is not present in population databases (gnomAD no frequency). This variant has not been reported in the literature in individuals affected with DCHS1-related conditions. Advanced modeling of protein sequence and biophysical properties (such as structural, functional, and spatial information, amino acid conservation, physicochemical variation, residue mobility, and thermodynamic stability) performed at Invitae indicates that this missense variant is not expected to disrupt DCHS1 protein function with a negative predictive value of 80%. In summary, the available evidence is currently insufficient to determine the role of this variant in disease. Therefore, it has been classified as a Variant of Uncertain Significance.